The following is an entry in ClinVar:

NM_001128840.3(CACNA1D):c.3882T>A (p.Ser1294Arg)

Gene: CACNA1D (calcium voltage-gated channel subunit alpha1 D; plus strand). Cytogenetic location: 3p21.1.
Variant type: single nucleotide variant.
Coding change: c.3882T>A on transcript NM_001128840.3 (MANE Select); coding-DNA position 3882, T replaced by A.
Protein change: p.Ser1294Arg; replaces serine 1294 with arginine.
Molecular consequence: missense variant. On other transcripts: intron variant (1).
Genome position (GRCh38, 1-based): chr3:53,769,984, T>A. VCF-style: chr3-53769984-T-A. GRCh37 (hg19) VCF-style: chr3-53804011-T-A.
Other names: c.3942T>A, p.Ser1314Arg (NM_000720.4); c.3871-440T>A (NM_001128839.3); short protein forms S1294R, S1314R.
Identifiers: ClinVar variation 3776411 (VCV003776411.1).

ClinVar aggregate classification (germline): Uncertain significance (1 of 4 stars; one submission).

Submission:

GeneDx
Classification: Uncertain significance. Last evaluated: 2024-10-01. Review status: criteria provided, single submitter. Criteria: GeneDx Variant Classification Process June 2021. Collection method: clinical testing. Allele origin: germline. Affected: yes.
Comment: Not observed at significant frequency in large population cohorts (gnomAD); In silico analysis indicates that this missense variant does not alter protein structure/function; Has not been previously published as pathogenic or benign to our knowledge